The following is an entry in ClinVar:

NM_000553.6(WRN):c.1247A>G (p.Asp416Gly)

Gene: WRN (WRN RecQ like helicase; plus strand). Cytogenetic location: 8p12.
Variant type: single nucleotide variant.
Coding change: c.1247A>G on transcript NM_000553.6 (MANE Select); coding-DNA position 1247, A replaced by G.
Protein change: p.Asp416Gly; replaces aspartic acid 416 with glycine.
Molecular consequence: missense variant.
Genome position (GRCh38, 1-based): chr8:31,081,274, A>G. VCF-style: chr8-31081274-A-G. GRCh37 (hg19) VCF-style: chr8-30938790-A-G.
Other names: short protein forms D416G.
Identifiers: ClinVar variation 576648 (VCV000576648.33), dbSNP rs560922465, ClinGen allele CA4704275.

ClinVar aggregate classification (germline): Benign/Likely benign. Review status: criteria provided, multiple submitters, no conflicts (2 of 4 stars). 2 submissions from 2 submitters: Benign (1); Likely benign (1). Last evaluated 2025-05-19.

Conditions:
Werner syndrome (WRN). Identifiers: Orphanet 902, MedGen C0043119, MONDO:0010196, OMIM 277700.

Allele frequency attached by ClinVar (database versions not stated): gnomAD below 0.00001 and 0.00003; TOPMed 0.00001; gnomAD exomes 0.00010 and 0.00022; 1000 Genomes Project 30x 0.00016; 1000 Genomes Project 0.00020; ExAC 0.00030.
gnomAD v4.1: 150 of 1,613,508 alleles (0.0093%); highest among the groups gnomAD compares: South Asian, 0.15%; 3 homozygotes.

Submissions (2):

Labcorp Genetics (formerly Invitae), Labcorp
Classification: Benign for Werner syndrome. Last evaluated: 2025-05-19. Review status: criteria provided, single submitter. Criteria: Invitae Variant Classification Sherloc (09022015). Collection method: clinical testing. Allele origin: germline.

CeGaT Center for Human Genetics Tuebingen
Classification: Likely benign. Last evaluated: 2023-12-01. Review status: criteria provided, single submitter. Criteria: CeGaT Center For Human Genetics Tuebingen Variant Classification Criteria Version 2. Collection method: clinical testing. Allele origin: germline. Affected: yes. Observed: 1 variant allele.
Comment: WRN: BP4, BS2